The following is an entry in ClinVar:

ClinVar aggregate classification (germline): Uncertain significance. Review status: criteria provided, multiple submitters, no conflicts (2 of 4 stars). 2 submissions from 2 submitters: Uncertain significance (2). Last evaluated 2023-06-20.

Conditions:
RYR1-related disorder. Also called: RYR1-related condition; RYR1-related disorders. Identifiers: MedGen CN239331.

Submissions (2):

GeneDx
Classification: Uncertain significance. Last evaluated: 2023-06-20. Review status: criteria provided, single submitter. Criteria: GeneDx Variant Classification Process June 2021. Collection method: clinical testing. Allele origin: germline. Affected: yes.
Comment: Not observed at significant frequency in large population cohorts (gnomAD); In silico analysis supports that this variant does not alter splicing; Has not been previously published as pathogenic or benign to our knowledge

Labcorp Genetics (formerly Invitae), Labcorp
Classification: Uncertain significance for RYR1-related disorder. Last evaluated: 2022-09-06. Review status: criteria provided, single submitter. Criteria: Invitae Variant Classification Sherloc (09022015). Collection method: clinical testing. Allele origin: germline.
Comment: In summary, the available evidence is currently insufficient to determine the role of this variant in disease. Therefore, it has been classified as a Variant of Uncertain Significance. Variants that disrupt the consensus splice site are a relatively common cause of aberrant splicing (PMID: 17576681, 9536098). Algorithms developed to predict the effect of sequence changes on RNA splicing suggest that this variant may disrupt the consensus splice site. This variant has not been reported in the literature in individuals affected with RYR1-related conditions. This variant is not present in population databases (gnomAD no frequency). This sequence change affects codon 3542 of the RYR1 mRNA. It is a 'silent' change, meaning that it does not change the encoded amino acid sequence of the RYR1 protein. This variant also falls at the last nucleotide of exon 71, which is part of the consensus splice site for this exon.

Literature cited by the submitters: PubMed 17576681 (cited by Labcorp Genetics (formerly Invitae), Labcorp); PubMed 9536098 (cited by Labcorp Genetics (formerly Invitae), Labcorp).

NM_000540.3(RYR1):c.10626G>T (p.Leu3542=)

Gene: RYR1 (ryanodine receptor 1; plus strand). Cytogenetic location: 19q13.2.
Variant type: single nucleotide variant.
Coding change: c.10626G>T on transcript NM_000540.3 (MANE Select); coding-DNA position 10626, G replaced by T.
Protein change: p.Leu3542=; no amino-acid change (leucine 3542 retained).
Molecular consequence: synonymous variant.
Genome position (GRCh38, 1-based): chr19:38,525,502, G>T. VCF-style: chr19-38525502-G-T. GRCh37 (hg19) VCF-style: chr19-39016142-G-T.
Other names: c.10611G>T, p.Leu3537= (NM_001042723.2).
Identifiers: ClinVar variation 2013998 (VCV002013998.5), dbSNP rs1568538021, ClinGen allele CA507236613.